The following is an entry in ClinVar:

NM_005138.3(SCO2):c.179G>A (p.Arg60Gln)

Genes: NCAPH2 (non-SMC condensin II complex subunit H2; plus strand), SCO2 (synthesis of cytochrome C oxidase 2; minus strand). Cytogenetic location: 22q13.33.
Variant type: single nucleotide variant.
Coding change: c.179G>A on transcript NM_005138.3 (MANE Select); coding-DNA position 179, G replaced by A.
Protein change: p.Arg60Gln; replaces arginine 60 with glutamine.
Molecular consequence: missense variant. On other transcripts: 3 prime UTR variant (2).
Genome position (GRCh38, 1-based): chr22:50,524,233, C>T on the plus strand (G>A on the coding strand, the complement: SCO2 is on the minus strand). VCF-style: chr22-50524233-C-T. GRCh37 (hg19) VCF-style: chr22-50962662-C-T.
Other names: p.Arg60Gln; c.*858C>T (NM_001185011.2, NM_152299.4); c.179G>A, p.Arg60Gln (NM_001169109.2, NM_001169110.1, NM_001169111.2); short protein forms R60Q.
Identifiers: ClinVar variation 2086286 (VCV002086286.3), dbSNP rs777622192, ClinGen allele CA10321277.
Genomic context (GRCh38, chr22:50,524,233, plus strand): 5'-GCCCTCAGGGCCAGCCAGGCCCCACCGAGTCCAGCCCCGAACAGGCCTGTGATCAGCAGC[C>T]GGGTTCGAAGCCCAGGGCCCTGGGGCTGGCCCTGCCCACCTGTCTCTGCAGGGCCCTGCC-3'
Protein context (NP_005129.2, residues 50-70): GQPQGPGLRT[Arg60Gln]LLITGLFGAG

ClinVar aggregate classification (germline): Uncertain significance. Review status: criteria provided, multiple submitters, no conflicts (2 of 4 stars). 3 submissions from 3 submitters: Uncertain significance (3). Last evaluated 2026-01-19.

Allele frequency attached by ClinVar (database versions not stated): ExAC 0.00001; gnomAD 0.00004; TOPMed 0.00011.
gnomAD v4.1: 55 of 1,607,126 alleles (0.0034%); highest among the groups gnomAD compares: African/African-American, 0.017%; no homozygotes.

Submissions (3):

Women's Health and Genetics/Laboratory Corporation of America, LabCorp
Classification: Uncertain significance. Last evaluated: 2026-01-19. Review status: criteria provided, single submitter. Criteria: LabCorp Variant Classification Summary - May 2015. Collection method: clinical testing. Allele origin: germline.
Comment: Variant summary: SCO2 c.179G>A (p.Arg60Gln) results in a conservative amino acid change in the encoded protein sequence. Algorithms developed to predict the effect of missense changes on protein structure and function all suggest that this variant is likely to be tolerated. The variant allele was found at a frequency of 1.7e-05 in 240878 control chromosomes. The available data on variant occurrences in the general population are insufficient to allow any conclusion about variant significance. c.179G>A has been observed in at least one compound heterozygous individual affected with an adult-onset complex neurologic and sensory phenotype characterized by cerebellar atrophy, sensory neuronopathy, deafness, pigmentary retinopathy, and cataracts (example: Rucheton_2021). This data does not allow any conclusion about variant significance. To our knowledge, no experimental evidence demonstrating an impact on protein function has been reported. The following publication has been ascertained in the context of this evaluation (PMID: 34746378). ClinVar contains an entry for this variant (Variation ID: 2086286). Based on the evidence outlined above, the variant was classified as uncertain significance.

Mayo Clinic Laboratories, Mayo Clinic
Classification: Uncertain significance. Last evaluated: 2022-08-31. Review status: criteria provided, single submitter. Criteria: ACMG Guidelines, 2015. Collection method: clinical testing. Allele origin: germline. Observed: 1 variant allele.
Comment: PM2, PM3

Labcorp Genetics (formerly Invitae), Labcorp
Classification: Uncertain significance. Last evaluated: 2022-08-10. Review status: criteria provided, single submitter. Criteria: Invitae Variant Classification Sherloc (09022015). Collection method: clinical testing. Allele origin: germline.
Comment: This sequence change replaces arginine, which is basic and polar, with glutamine, which is neutral and polar, at codon 60 of the SCO2 protein (p.Arg60Gln). This variant is present in population databases (rs777622192, gnomAD 0.01%). This variant has not been reported in the literature in individuals affected with SCO2-related conditions. Algorithms developed to predict the effect of missense changes on protein structure and function (SIFT, PolyPhen-2, Align-GVGD) all suggest that this variant is likely to be tolerated. Algorithms developed to predict the effect of sequence changes on RNA splicing suggest that this variant may create or strengthen a splice site. In summary, the available evidence is currently insufficient to determine the role of this variant in disease. Therefore, it has been classified as a Variant of Uncertain Significance.

Literature cited by the submitters: PubMed 34746378 (cited by Women's Health and Genetics/Laboratory Corporation of America, LabCorp and Mayo Clinic Laboratories, Mayo Clinic).